The following is an entry in ClinVar:

ClinVar aggregate classification (germline): Uncertain significance (1 of 4 stars; one submission).

Allele frequency attached by ClinVar (database versions not stated): TOPMed below 0.00001; gnomAD exomes 0.00001.

Submission:

Labcorp Genetics (formerly Invitae), Labcorp
Classification: Uncertain significance. Last evaluated: 2022-02-20. Review status: criteria provided, single submitter. Criteria: Invitae Variant Classification Sherloc (09022015). Collection method: clinical testing. Allele origin: germline.
Comment: This sequence change replaces arginine, which is basic and polar, with cysteine, which is neutral and slightly polar, at codon 533 of the ARHGEF1 protein (p.Arg533Cys). In summary, the available evidence is currently insufficient to determine the role of this variant in disease. Therefore, it has been classified as a Variant of Uncertain Significance. Algorithms developed to predict the effect of missense changes on protein structure and function are either unavailable or do not agree on the potential impact of this missense change (SIFT: "Deleterious"; PolyPhen-2: "Benign"; Align-GVGD: "Class C0"). This variant has not been reported in the literature in individuals affected with ARHGEF1-related conditions. This variant is not present in population databases (gnomAD no frequency).

NM_004706.4(ARHGEF1):c.1552C>T (p.Arg518Cys)

Gene: ARHGEF1 (Rho guanine nucleotide exchange factor 1; plus strand). Cytogenetic location: 19q13.2.
Variant type: single nucleotide variant.
Coding change: c.1552C>T on transcript NM_004706.4 (MANE Select); coding-DNA position 1552, C replaced by T.
Protein change: p.Arg518Cys; replaces arginine 518 with cysteine.
Molecular consequence: missense variant. On other transcripts: non-coding transcript variant (2).
Genome position (GRCh38, 1-based): chr19:41,902,587, C>T. VCF-style: chr19-41902587-C-T. GRCh37 (hg19) VCF-style: chr19-42406737-C-T.
Other names: c.1720C>T, p.Arg574Cys (NM_001396000.1); c.1453C>T, p.Arg485Cys (NM_001396002.1, NM_001396004.1, NM_198977.2); c.1552C>T, p.Arg518Cys (NM_001396003.1, NM_001396006.1); c.1597C>T, p.Arg533Cys (NM_199002.2); short protein forms R518C, R485C, R533C, R574C.
Identifiers: ClinVar variation 1960322 (VCV001960322.5), dbSNP rs1407301698, ClinGen allele CA406061542.